The following is an entry in ClinVar:

ClinVar aggregate classification (germline): Likely pathogenic (1 of 4 stars; one submission).

Submission:

CeGaT Center for Human Genetics Tuebingen
Classification: Likely pathogenic. Last evaluated: 2022-05-01. Review status: criteria provided, single submitter. Criteria: CeGaT Center For Human Genetics Tuebingen Variant Classification Criteria Version 2. Collection method: clinical testing. Allele origin: germline. Affected: yes. Observed: 1 variant allele.
Comment: TWNK: PVS1:Strong, PM2

NM_021830.5(TWNK):c.72del (p.Arg25fs)

Gene: TWNK (twinkle mtDNA helicase; plus strand). Cytogenetic location: 10q24.31.
Variant type: Deletion.
Coding change: c.72del on transcript NM_021830.5 (MANE Select); coding-DNA position 72, one base deleted (G; older notation c.72delG).
Protein change: p.Arg25fs; shifts the reading frame from arginine 25.
Molecular consequence: frameshift variant. On other transcripts: non-coding transcript variant (4), intron variant (3).
Genome position (GRCh38, 1-based): chr10:100,988,282, G deleted; the last of 2 consecutive G bases (chr10:100,988,281-100,988,282); deleting either gives the same sequence. VCF-style (leftmost placement, unchanged base first): chr10-100988280-CG-C. GRCh37 (hg19) VCF-style: chr10-102748037-CG-C.
Other names: c.72del, p.Arg25fs (NM_001163812.2); c.-120+669del (NM_001163814.2, NM_001163813.2); c.-58+669del (NM_001368275.1); short protein forms R25fs.
Identifiers: ClinVar variation 1694569 (VCV001694569.31), dbSNP rs2133934343, ClinGen allele CA2580081100.